The following is an entry in ClinVar:

ClinVar aggregate classification (germline): Uncertain significance (1 of 4 stars; one submission).

Conditions:
Inborn genetic diseases. Identifiers: MedGen C0950123, MeSH D030342.

gnomAD v4.1: 1 of 1,612,216 alleles (0.000062%); highest among the groups gnomAD compares: Admixed American, 0.0017%; no homozygotes.

Submission:

Ambry Genetics
Classification: Uncertain significance for Inborn genetic diseases. Last evaluated: 2025-10-07. Review status: criteria provided, single submitter. Criteria: Ambry Variant Classification Scheme 2023. Collection method: clinical testing. Allele origin: germline.
Comment: The c.3727C>G (p.P1243A) alteration is located in exon 21 (coding exon 19) of the RERE gene. This alteration results from a C to G substitution at nucleotide position 3727, causing the proline (P) at amino acid position 1243 to be replaced by an alanine (A). Based on data from gnomAD, the G allele has an overall frequency of <0.001% (1/248888) total alleles studied. The highest observed frequency was 0.003% (1/34352) of Latino alleles. Based on insufficient or conflicting evidence, the clinical significance of this alteration remains unclear.

NM_001042681.2(RERE):c.3727C>G (p.Pro1243Ala)

Gene: RERE (arginine-glutamic acid dipeptide repeats; minus strand). Cytogenetic location: 1p36.23.
Variant type: single nucleotide variant.
Coding change: c.3727C>G on transcript NM_001042681.2 (MANE Select); coding-DNA position 3727, C replaced by G.
Protein change: p.Pro1243Ala; replaces proline 1243 with alanine.
Molecular consequence: missense variant.
Genome position (GRCh38, 1-based): chr1:8,358,808, G>C on the plus strand (C>G on the coding strand, the complement: RERE is on the minus strand). VCF-style: chr1-8358808-G-C. GRCh37 (hg19) VCF-style: chr1-8418868-G-C.
Other names: c.2065C>G, p.Pro689Ala (NM_001042682.2); c.3727C>G, p.Pro1243Ala (NM_012102.4); short protein forms P1243A, P689A.
Identifiers: ClinVar variation 4629040 (VCV004629040.1).